The following is an entry in ClinVar:

NM_001348716.2(KDM6B):c.564T>G (p.Tyr188Ter)

Gene: KDM6B (lysine demethylase 6B; plus strand). Cytogenetic location: 17p13.1.
Variant type: single nucleotide variant.
Coding change: c.564T>G on transcript NM_001348716.2 (MANE Select); coding-DNA position 564, T replaced by G.
Protein change: p.Tyr188Ter; replaces tyrosine 188 with a stop codon.
Molecular consequence: nonsense.
Genome position (GRCh38, 1-based): chr17:7,846,593, T>G. VCF-style: chr17-7846593-T-G. GRCh37 (hg19) VCF-style: chr17-7749911-T-G.
Other names: c.564T>G, p.Tyr188Ter (NM_001080424.2); short protein forms Y188*.
Identifiers: ClinVar variation 4887028 (VCV004887028.1).
Genomic context (GRCh38, chr17:7,846,593, plus strand): 5'-TGTGCCTGCACCCGTGCCATTTTCTCTTCTCTCTTTTTGTTCTCAGCACAAACGGAACTA[T>G]GGAGCCAAGCGGGGAGGTCCCCCGGTGAAGCGAGCTGCTGAACCCCCAGTGGTGCAGCCT-3'

ClinVar aggregate classification (germline): Likely pathogenic (1 of 4 stars; one submission).

Conditions:
Neurodevelopmental disorder with coarse facies and mild distal skeletal abnormalities. Also called: STOLERMAN NEURODEVELOPMENTAL SYNDROME. Identifiers: MedGen C5193134, MONDO:0032790, OMIM 618505.

Submission:

MVZ Medizinische Genetik Mainz
Classification: Likely pathogenic for Neurodevelopmental disorder with coarse facies and mild distal skeletal abnormalities. Last evaluated: 2026-07-22. Review status: criteria provided, single submitter. Criteria: UK Practice Guidelines For Variant Classification V4 01 2020. Collection method: clinical testing. Allele origin: germline. Inheritance: Autosomal dominant inheritance. Affected: yes. Observed: 1 variant allele.
Comment: ACMG Criteria: PVS1,PM2_SUP